The following is an entry in ClinVar:

ClinVar aggregate classification (germline): Uncertain significance (1 of 4 stars; one submission).

Submission:

Ambry Genetics
Classification: Uncertain significance. Last evaluated: 2026-05-21. Review status: criteria provided, single submitter. Criteria: Ambry Variant Classification Scheme 2023. Collection method: clinical testing. Allele origin: germline.
Comment: The p.C734F variant (also known as c.2201G>T), located in coding exon 15 of the RINT1 gene, results from a G to T substitution at nucleotide position 2201. The cysteine at codon 734 is replaced by phenylalanine, an amino acid with highly dissimilar properties. This amino acid position is conserved. In addition, this alteration is predicted to be deleterious by in silico analysis. Based on the available evidence, the clinical significance of this variant remains unclear.

NM_021930.6(RINT1):c.2201G>T (p.Cys734Phe)

Genes: EFCAB10 (EF-hand calcium binding domain 10; minus strand), RINT1 (RAD50 interactor 1; plus strand). Cytogenetic location: 7q22.3.
Variant type: single nucleotide variant.
Coding change: c.2201G>T on transcript NM_021930.6 (MANE Select); coding-DNA position 2201, G replaced by T.
Protein change: p.Cys734Phe; replaces cysteine 734 with phenylalanine.
Molecular consequence: missense variant. On other transcripts: 3 prime UTR variant (2), non-coding transcript variant (1), intron variant (3).
Genome position (GRCh38, 1-based): chr7:105,567,133, G>T. VCF-style: chr7-105567133-G-T. GRCh37 (hg19) VCF-style: chr7-105207580-G-T.
Other names: c.*321C>A (NM_001355527.2, NM_001355529.2); c.1967G>T, p.Cys656Phe (NM_001346599.2); c.1178G>T, p.Cys393Phe (NM_001346600.2, NM_001346603.2); c.1277G>T, p.Cys426Phe (NM_001346601.2); c.360-1686C>A (NM_001355531.2); c.383+334C>A (NM_001355526.2, NM_001355530.2); short protein forms C393F, C426F, C656F, C734F.
Identifiers: ClinVar variation 4863316 (VCV004863316.1).